The following is an entry in ClinVar:

NM_052947.4(ALPK2):c.5801T>G (p.Phe1934Cys)

Gene: ALPK2 (alpha kinase 2; minus strand). Cytogenetic location: 18q21.31.
Variant type: single nucleotide variant.
Coding change: c.5801T>G on transcript NM_052947.4 (MANE Select); coding-DNA position 5801, T replaced by G.
Protein change: p.Phe1934Cys; replaces phenylalanine 1934 with cysteine.
Molecular consequence: missense variant.
Genome position (GRCh38, 1-based): chr18:58,517,047, A>C on the plus strand (T>G on the coding strand, the complement: ALPK2 is on the minus strand). VCF-style: chr18-58517047-A-C. GRCh37 (hg19) VCF-style: chr18-56184279-A-C.
Other names: short protein forms F1934C.
Identifiers: ClinVar variation 3228817 (VCV003228817.1), dbSNP rs748143041, ClinGen allele CA402548762.

ClinVar aggregate classification (germline): Uncertain significance (1 of 4 stars; one submission).

Submission:

Ambry Genetics
Classification: Uncertain significance. Last evaluated: 2023-09-25. Review status: criteria provided, single submitter. Criteria: Ambry Variant Classification Scheme 2023. Collection method: clinical testing. Allele origin: germline.
Comment: The p.F1934C variant (also known as c.5801T>G), located in coding exon 8 of the ALPK2 gene, results from a T to G substitution at nucleotide position 5801. The phenylalanine at codon 1934 is replaced by cysteine, an amino acid with highly dissimilar properties. This amino acid position is conserved. In addition, the in silico prediction for this alteration is inconclusive. Since supporting evidence is limited at this time, the clinical significance of this alteration remains unclear.